The following is an entry in ClinVar:

ClinVar aggregate classification (germline): Uncertain significance (1 of 4 stars; one submission).

Conditions:
Charcot-Marie-Tooth disease type 2. Also called: Charcot-Marie-Tooth type 2. Identifiers: Orphanet 64746, MedGen C0270914, MONDO:0018993.

gnomAD v4.1: 4 of 1,613,950 alleles (0.00025%); highest among the groups gnomAD compares: African/African-American, 0.004%; no homozygotes.

Submission:

Labcorp Genetics (formerly Invitae), Labcorp
Classification: Uncertain significance for Charcot-Marie-Tooth disease type 2. Last evaluated: 2024-10-14. Review status: criteria provided, single submitter. Criteria: Invitae Variant Classification Sherloc (09022015). Collection method: clinical testing. Allele origin: germline.
Comment: This sequence change replaces serine, which is neutral and polar, with phenylalanine, which is neutral and non-polar, at codon 2 of the MFN2 protein (p.Ser2Phe). This variant is present in population databases (rs758996830, gnomAD 0.008%). This variant has not been reported in the literature in individuals affected with MFN2-related conditions. Invitae Evidence Modeling of protein sequence and biophysical properties (such as structural, functional, and spatial information, amino acid conservation, physicochemical variation, residue mobility, and thermodynamic stability) has been performed for this missense variant. However, the output from this modeling did not meet the statistical confidence thresholds required to predict the impact of this variant on MFN2 protein function. In summary, the available evidence is currently insufficient to determine the role of this variant in disease. Therefore, it has been classified as a Variant of Uncertain Significance.

NM_014874.4(MFN2):c.5C>T (p.Ser2Phe)

Gene: MFN2 (mitofusin 2; plus strand). Cytogenetic location: 1p36.22.
Variant type: single nucleotide variant.
Coding change: c.5C>T on transcript NM_014874.4 (MANE Select); coding-DNA position 5, C replaced by T.
Protein change: p.Ser2Phe; replaces serine 2 with phenylalanine.
Molecular consequence: missense variant.
Genome position (GRCh38, 1-based): chr1:11,989,173, C>T. VCF-style: chr1-11989173-C-T. GRCh37 (hg19) VCF-style: chr1-12049230-C-T.
Other names: c.5C>T, p.Ser2Phe (NM_001127660.2); short protein forms S2F.
Identifiers: ClinVar variation 3699346 (VCV003699346.2).